The following is an entry in ClinVar:

NM_053025.4(MYLK):c.2825A>G (p.Glu942Gly)

Gene: MYLK (myosin light chain kinase; minus strand). Cytogenetic location: 3q21.1.
Variant type: single nucleotide variant.
Coding change: c.2825A>G on transcript NM_053025.4 (MANE Select); coding-DNA position 2825, A replaced by G.
Protein change: p.Glu942Gly; replaces glutamic acid 942 with glycine.
Molecular consequence: missense variant.
Genome position (GRCh38, 1-based): chr3:123,700,643, T>C on the plus strand (A>G on the coding strand, the complement: MYLK is on the minus strand). VCF-style: chr3-123700643-T-C. GRCh37 (hg19) VCF-style: chr3-123419490-T-C.
Other names: c.2297A>G, p.Glu766Gly (NM_001321309.2); c.2618A>G, p.Glu873Gly (NM_053026.4, NM_053028.4); c.2825A>G, p.Glu942Gly (NM_053027.4); short protein forms E766G, E942G, E873G.
Identifiers: ClinVar variation 4635454 (VCV004635454.2).

ClinVar aggregate classification (germline): Uncertain significance (1 of 4 stars; one submission).

Conditions:
Familial thoracic aortic aneurysm and aortic dissection (TAAD). Also called: Thoracic aortic aneurysms and dissections. Identifiers: Orphanet 91387, MedGen C4707243, MONDO:0019625.

gnomAD v4.1: 29 of 1,613,990 alleles (0.0018%); highest among the groups gnomAD compares: African/African-American, 0.0027%; no homozygotes.

Submission:

Ambry Genetics
Classification: Uncertain significance for Familial thoracic aortic aneurysm and aortic dissection. Last evaluated: 2026-06-22. Review status: criteria provided, single submitter. Criteria: Ambry Variant Classification Scheme 2023. Collection method: clinical testing. Allele origin: germline.
Comment: The p.E942G variant (also known as c.2825A>G), located in coding exon 15 of the MYLK gene, results from an A to G substitution at nucleotide position 2825. The glutamic acid at codon 942 is replaced by glycine, an amino acid with similar properties. This amino acid position is conserved. In addition, the in silico prediction for this alteration is inconclusive. Based on the available evidence, the clinical significance of this variant remains unclear.